The following is an entry in ClinVar:

ClinVar aggregate classification (germline): Uncertain significance (1 of 4 stars; one submission).

gnomAD v4.1: 2 of 1,613,738 alleles (0.00012%); highest among the groups gnomAD compares: South Asian, 0.0011%; no homozygotes.

Submission:

GeneDx
Classification: Uncertain significance. Last evaluated: 2024-09-30. Review status: criteria provided, single submitter. Criteria: GeneDx Variant Classification Process June 2021. Collection method: clinical testing. Allele origin: germline. Affected: yes.
Comment: In silico analysis indicates that this variant does not alter splicing; Has not been previously published as pathogenic or benign to our knowledge

NM_014712.3(SETD1A):c.4950+5G>A

Gene: SETD1A (SET domain containing 1A, histone lysine methyltransferase; plus strand). Cytogenetic location: 16p11.2.
Variant type: single nucleotide variant.
Coding change: c.4950+5G>A on transcript NM_014712.3 (MANE Select); 5 bases into the intron after coding-DNA position 4950, G replaced by A.
Molecular consequence: intron variant.
Genome position (GRCh38, 1-based): chr16:30,983,777, G>A. VCF-style: chr16-30983777-G-A. GRCh37 (hg19) VCF-style: chr16-30995098-G-A.
Identifiers: ClinVar variation 3775003 (VCV003775003.1).